The following is an entry in ClinVar:

ClinVar aggregate classification (germline): Uncertain significance (1 of 4 stars; one submission).

Submission:

Labcorp Genetics (formerly Invitae), Labcorp
Classification: Uncertain significance. Last evaluated: 2024-08-29. Review status: criteria provided, single submitter. Criteria: Invitae Variant Classification Sherloc (09022015). Collection method: clinical testing. Allele origin: germline.
Comment: This sequence change replaces glutamic acid, which is acidic and polar, with glycine, which is neutral and non-polar, at codon 149 of the CLCN7 protein (p.Glu149Gly). This variant is not present in population databases (gnomAD no frequency). This variant has not been reported in the literature in individuals affected with CLCN7-related conditions. ClinVar contains an entry for this variant (Variation ID: 1930283). An algorithm developed to predict the effect of missense changes on protein structure and function (PolyPhen-2) suggests that this variant is likely to be tolerated. In summary, the available evidence is currently insufficient to determine the role of this variant in disease. Therefore, it has been classified as a Variant of Uncertain Significance.

NM_001287.6(CLCN7):c.446A>G (p.Glu149Gly)

Gene: CLCN7 (chloride voltage-gated channel 7; minus strand). Cytogenetic location: 16p13.3.
Variant type: single nucleotide variant.
Coding change: c.446A>G on transcript NM_001287.6 (MANE Select); coding-DNA position 446, A replaced by G.
Protein change: p.Glu149Gly; replaces glutamic acid 149 with glycine.
Molecular consequence: missense variant.
Genome position (GRCh38, 1-based): chr16:1,460,854, T>C on the plus strand (A>G on the coding strand, the complement: CLCN7 is on the minus strand). VCF-style: chr16-1460854-T-C. GRCh37 (hg19) VCF-style: chr16-1510855-T-C.
Other names: c.374A>G, p.Glu125Gly (NM_001114331.3); short protein forms E149G, E125G.
Identifiers: ClinVar variation 1930283 (VCV001930283.5), dbSNP rs2505845468, ClinGen allele CA394192454.